The following is an entry in ClinVar:

ClinVar aggregate classification (germline): Pathogenic (1 of 4 stars; one submission).

Conditions:
Cardiovascular phenotype. Identifiers: MedGen CN230736.

Submission:

Ambry Genetics
Classification: Pathogenic for Cardiovascular phenotype. Last evaluated: 2026-04-16. Review status: criteria provided, single submitter. Criteria: Ambry Variant Classification Scheme 2023. Collection method: clinical testing. Allele origin: germline.
Comment: The p.E632* pathogenic mutation (also known as c.1894G>T), located in coding exon 2 of the TNXB gene, results from a G to T substitution at nucleotide position 1894. This changes the amino acid from a glutamic acid to a stop codon within coding exon 2. This variant is considered to be rare based on population cohorts in the Genome Aggregation Database (gnomAD). This alteration is expected to result in loss of function by premature protein truncation or nonsense-mediated mRNA decay. As such, this alteration is interpreted as a disease-causing mutation.

NM_001365276.2(TNXB):c.1894G>T (p.Glu632Ter)

Gene: TNXB (tenascin XB; minus strand). Cytogenetic location: 6p21.33.
Variant type: single nucleotide variant.
Coding change: c.1894G>T on transcript NM_001365276.2 (MANE Select); coding-DNA position 1894, G replaced by T.
Protein change: p.Glu632Ter; replaces glutamic acid 632 with a stop codon.
Molecular consequence: nonsense.
Genome position (GRCh38, 1-based): chr6:32,095,959, C>A on the plus strand (G>T on the coding strand, the complement: TNXB is on the minus strand). VCF-style: chr6-32095959-C-A. GRCh37 (hg19) VCF-style: chr6-32063736-C-A.
Other names: c.1894G>T, p.Glu632Ter (NM_001428335.1, NM_019105.8); short protein forms E632*.
Identifiers: ClinVar variation 3227247 (VCV003227247.2), dbSNP rs1780315559, ClinGen allele CA363476110.